The following is an entry in ClinVar:

NM_152564.5(VPS13B):c.10982del (p.Pro3661fs)

Gene: VPS13B (vacuolar protein sorting 13 homolog B; plus strand). Cytogenetic location: 8q22.2.
Variant type: Deletion.
Coding change: c.10982del on transcript NM_152564.5 (MANE Select); coding-DNA position 10982, one base deleted (C; older notation c.10982delC).
Protein change: p.Pro3661fs; shifts the reading frame from proline 3661.
Molecular consequence: frameshift variant.
Genome position (GRCh38, 1-based): chr8:99,859,418, C deleted; the last of 3 consecutive C bases (chr8:99,859,416-99,859,418); deleting any one gives the same sequence. VCF-style (leftmost placement, unchanged base first): chr8-99859415-GC-G. GRCh37 (hg19) VCF-style: chr8-100871643-GC-G.
Other names: c.11057del, p.Pro3686fs (NM_017890.5); short protein forms P3661fs, P3686fs.
Identifiers: ClinVar variation 1070923 (VCV001070923.7), dbSNP rs2130933734, ClinGen allele CA2499219504.

ClinVar aggregate classification (germline): Pathogenic (1 of 4 stars; one submission).

Conditions:
Cohen syndrome (COH1). Also called: PEPPER SYNDROME; Cutis verticis gyrata, retinitis pigmentosa, and sensorineural deafness. Identifiers: Orphanet 193, MedGen C0265223, MONDO:0008999, OMIM 216550.

Submission:

Labcorp Genetics (formerly Invitae), Labcorp
Classification: Pathogenic for Cohen syndrome. Last evaluated: 2020-01-28. Review status: criteria provided, single submitter. Criteria: Invitae Variant Classification Sherloc (09022015). Collection method: clinical testing. Allele origin: germline.
Comment: For these reasons, this variant has been classified as Pathogenic. Loss-of-function variants in VPS13B are known to be pathogenic (PMID: 15141358, 16648375, 20461111). This variant has not been reported in the literature in individuals with VPS13B-related conditions. This variant is not present in population databases (ExAC no frequency). This sequence change creates a premature translational stop signal (p.Pro3686Leufs*5) in the VPS13B gene. It is expected to result in an absent or disrupted protein product.

Literature cited by the submitters: PubMed 15141358; PubMed 16648375; PubMed 20461111.